The following is an entry in ClinVar:

ClinVar aggregate classification (germline): Uncertain significance (1 of 4 stars; one submission).

gnomAD v4.1: 2 of 1,613,850 alleles (0.00012%); highest among the groups gnomAD compares: Admixed American, 0.0033%; no homozygotes.

Submission:

Ambry Genetics
Classification: Uncertain significance. Last evaluated: 2026-04-04. Review status: criteria provided, single submitter. Criteria: Ambry Variant Classification Scheme 2023. Collection method: clinical testing. Allele origin: germline.
Comment: The p.N339D variant (also known as c.1015A>G), located in coding exon 1 of the TET2 gene, results from an A to G substitution at nucleotide position 1015. The asparagine at codon 339 is replaced by aspartic acid, an amino acid with highly similar properties. This amino acid position is conserved. In addition, this alteration is predicted to be tolerated by in silico analysis. Based on the available evidence, the clinical significance of this variant remains unclear.

NM_001127208.3(TET2):c.1015A>G (p.Asn339Asp)

Genes: TET2 (tet methylcytosine dioxygenase 2; plus strand), TET2-AS1 (TET2 antisense RNA 1; minus strand). Cytogenetic location: 4q24.
Variant type: single nucleotide variant.
Coding change: c.1015A>G on transcript NM_001127208.3 (MANE Select); coding-DNA position 1015, A replaced by G.
Protein change: p.Asn339Asp; replaces asparagine 339 with aspartic acid.
Molecular consequence: missense variant.
Genome position (GRCh38, 1-based): chr4:105,234,957, A>G. VCF-style: chr4-105234957-A-G. GRCh37 (hg19) VCF-style: chr4-106156114-A-G.
Other names: c.1015A>G, p.Asn339Asp (NM_017628.4); short protein forms N339D.
Identifiers: ClinVar variation 4865522 (VCV004865522.1).